The following is an entry in ClinVar:

NM_021098.3(CACNA1H):c.2027T>G (p.Leu676Arg)

Gene: CACNA1H (calcium voltage-gated channel subunit alpha1 H; plus strand). Cytogenetic location: 16p13.3.
Variant type: single nucleotide variant.
Coding change: c.2027T>G on transcript NM_021098.3 (MANE Select); coding-DNA position 2027, T replaced by G.
Protein change: p.Leu676Arg; replaces leucine 676 with arginine.
Molecular consequence: missense variant.
Genome position (GRCh38, 1-based): chr16:1,204,034, T>G. VCF-style: chr16-1204034-T-G. GRCh37 (hg19) VCF-style: chr16-1254034-T-G.
Other names: c.2027T>G, p.Leu676Arg (NM_001005407.2); short protein forms L676R.
Identifiers: ClinVar variation 2942794 (VCV002942794.3), dbSNP rs2548656230, ClinGen allele CA394165303.

ClinVar aggregate classification (germline): Uncertain significance (1 of 4 stars; one submission).

Conditions:
Hyperaldosteronism, familial, type IV (HALD4). Also called: FH IV; ALDOSTERONISM, PRIMARY, AND HYPERTENSION. Identifiers: Orphanet 642671, MedGen C4310756, MONDO:0014875, OMIM 617027.
Idiopathic generalized epilepsy. Also called: EIG; Generalised epilepsy. Identifiers: MedGen C0270850, MONDO:0005579, OMIM 600669.

gnomAD v4.1: 2 of 1,567,248 alleles (0.00013%); highest among the groups gnomAD compares: Non-Finnish European, 0.00017%; no homozygotes.

Submission:

Labcorp Genetics (formerly Invitae), Labcorp
Classification: Uncertain significance for Idiopathic generalized epilepsy; Hyperaldosteronism, familial, type IV. Last evaluated: 2022-12-30. Review status: criteria provided, single submitter. Criteria: Invitae Variant Classification Sherloc (09022015). Collection method: clinical testing. Allele origin: germline.
Comment: In summary, the available evidence is currently insufficient to determine the role of this variant in disease. Therefore, it has been classified as a Variant of Uncertain Significance. Advanced modeling of protein sequence and biophysical properties (such as structural, functional, and spatial information, amino acid conservation, physicochemical variation, residue mobility, and thermodynamic stability) performed at Invitae indicates that this missense variant is not expected to disrupt CACNA1H protein function. This variant has not been reported in the literature in individuals affected with CACNA1H-related conditions. This variant is not present in population databases (gnomAD no frequency). This sequence change replaces leucine, which is neutral and non-polar, with arginine, which is basic and polar, at codon 676 of the CACNA1H protein (p.Leu676Arg).